The following is an entry in ClinVar:

NM_001613.4(ACTA2):c.169G>C (p.Gly57Arg)

Gene: ACTA2 (actin alpha 2, smooth muscle; minus strand). Cytogenetic location: 10q23.31.
Variant type: single nucleotide variant.
Coding change: c.169G>C on transcript NM_001613.4 (MANE Select); coding-DNA position 169, G replaced by C.
Protein change: p.Gly57Arg; replaces glycine 57 with arginine.
Molecular consequence: missense variant.
Genome position (GRCh38, 1-based): chr10:88,947,347, C>G on the plus strand (G>C on the coding strand, the complement: ACTA2 is on the minus strand). VCF-style: chr10-88947347-C-G. GRCh37 (hg19) VCF-style: chr10-90707104-C-G.
Other names: c.169G>C, p.Gly57Arg (NM_001141945.3, NM_001320855.2, NM_001406462.1 and 4 more transcripts); short protein forms G57R.
Identifiers: ClinVar variation 863767 (VCV000863767.11), dbSNP rs1845970518, ClinGen allele CA377513476.

ClinVar aggregate classification (germline): Uncertain significance (1 of 4 stars; one submission).

Conditions:
Aortic aneurysm, familial thoracic 6 (AAT6). Also called: FAMILIAL THORACIC AORTIC ANEURYSM WITH LIVEDO RETICULARIS AND IRIS FLOCCULI. Identifiers: MedGen C2673186, MONDO:0012730, OMIM 611788.

Submission:

Labcorp Genetics (formerly Invitae), Labcorp
Classification: Uncertain significance for Aortic aneurysm, familial thoracic 6. Last evaluated: 2019-06-21. Review status: criteria provided, single submitter. Criteria: Invitae Variant Classification Sherloc (09022015). Collection method: clinical testing. Allele origin: germline.
Comment: In summary, the available evidence is currently insufficient to determine the role of this variant in disease. Therefore, it has been classified as a Variant of Uncertain Significance. Algorithms developed to predict the effect of missense changes on protein structure and function (SIFT, PolyPhen-2, Align-GVGD) all suggest that this variant is likely to be disruptive, but these predictions have not been confirmed by published functional studies and their clinical significance is uncertain. This variant has not been reported in the literature in individuals with ACTA2-related conditions. This variant is not present in population databases (ExAC no frequency). This sequence change replaces glycine with arginine at codon 57 of the ACTA2 protein (p.Gly57Arg). The glycine residue is highly conserved and there is a moderate physicochemical difference between glycine and arginine.